The following is an entry in ClinVar:

ClinVar aggregate classification (germline): Uncertain significance (1 of 4 stars; one submission).

Submission:

Women's Health and Genetics/Laboratory Corporation of America, LabCorp
Classification: Uncertain significance. Last evaluated: 2026-02-20. Review status: criteria provided, single submitter. Criteria: LabCorp Variant Classification Summary - May 2015. Collection method: clinical testing. Allele origin: germline.
Comment: Variant summary: ACADM c.1184A>T (p.Lys395Ile) results in a non-conservative amino acid change in the encoded protein sequence. Algorithms developed to predict the effect of missense changes on protein structure and function all suggest that this variant is likely to be disruptive. The variant was absent in 250210 control chromosomes. The available data on variant occurrences in the general population are insufficient to allow any conclusion about variant significance. To our knowledge, no occurrence of c.1184A>T in individuals affected with ACADM-related conditions and no experimental evidence demonstrating its impact on protein function have been reported. No submitters have cited clinical-significance assessments for this variant to ClinVar. Based on the evidence outlined above, the variant was classified as uncertain significance.

NM_000016.6(ACADM):c.1184A>T (p.Lys395Ile)

Gene: ACADM (acyl-CoA dehydrogenase medium chain; plus strand). Cytogenetic location: 1p31.1.
Variant type: single nucleotide variant.
Coding change: c.1184A>T on transcript NM_000016.6 (MANE Select); coding-DNA position 1184, A replaced by T.
Protein change: p.Lys395Ile; replaces lysine 395 with isoleucine.
Molecular consequence: missense variant.
Genome position (GRCh38, 1-based): chr1:75,761,360, A>T. VCF-style: chr1-75761360-A-T. GRCh37 (hg19) VCF-style: chr1-76227045-A-T.
Other names: c.1196A>T, p.Lys399Ile (NM_001127328.3); c.1076A>T, p.Lys359Ile (NM_001286042.2); c.1283A>T, p.Lys428Ile (NM_001286043.2); c.617A>T, p.Lys206Ile (NM_001286044.2); short protein forms K206I, K359I, K395I, K399I, K428I.
Identifiers: ClinVar variation 4848196 (VCV004848196.1).